The following is an entry in ClinVar:

ClinVar aggregate classification (germline): Conflicting classifications of pathogenicity. Review status: criteria provided, conflicting classifications (1 of 4 stars). 2 submissions from 2 submitters: Uncertain significance (1); Likely benign (1). Last evaluated 2025-05-15.

Conditions:
Hereditary cancer-predisposing syndrome. Also called: Tumor predisposition; Neoplastic Syndromes, Hereditary; Hereditary Cancer Syndrome; Hereditary neoplastic syndrome. Identifiers: Orphanet 140162, MedGen C0027672, MeSH D009386, MONDO:0015356.
EGFR-related lung cancer (EGFR). Identifiers: MedGen CN130014.

gnomAD v4.1: 2 of 1,612,996 alleles (0.00012%); highest among the groups gnomAD compares: Non-Finnish European, 0.00017%; no homozygotes.

Submissions (2):

Ambry Genetics
Classification: Likely benign for Hereditary cancer-predisposing syndrome. Last evaluated: 2025-05-15. Review status: criteria provided, single submitter. Criteria: Ambry Variant Classification Scheme 2023. Collection method: clinical testing. Allele origin: germline.

Labcorp Genetics (formerly Invitae), Labcorp
Classification: Uncertain significance for EGFR-related lung cancer. Last evaluated: 2024-10-21. Review status: criteria provided, single submitter. Criteria: Invitae Variant Classification Sherloc (09022015). Collection method: clinical testing. Allele origin: germline.
Comment: This sequence change replaces asparagine, which is neutral and polar, with lysine, which is basic and polar, at codon 497 of the EGFR protein (p.Asn497Lys). The frequency data for this variant in the population databases is considered unreliable, as metrics indicate poor data quality at this position in the gnomAD database. This variant has not been reported in the literature in individuals affected with EGFR-related conditions. Invitae Evidence Modeling of protein sequence and biophysical properties (such as structural, functional, and spatial information, amino acid conservation, physicochemical variation, residue mobility, and thermodynamic stability) indicates that this missense variant is not expected to disrupt EGFR protein function with a negative predictive value of 80%. In summary, the available evidence is currently insufficient to determine the role of this variant in disease. Therefore, it has been classified as a Variant of Uncertain Significance.

NM_005228.5(EGFR):c.1491C>A (p.Asn497Lys)

Gene: EGFR (epidermal growth factor receptor; plus strand). Cytogenetic location: 7p11.2.
Variant type: single nucleotide variant.
Coding change: c.1491C>A on transcript NM_005228.5 (MANE Select); coding-DNA position 1491, C replaced by A.
Protein change: p.Asn497Lys; replaces asparagine 497 with lysine.
Molecular consequence: missense variant.
Genome position (GRCh38, 1-based): chr7:55,160,331, C>A. VCF-style: chr7-55160331-C-A. GRCh37 (hg19) VCF-style: chr7-55228024-C-A.
Other names: c.1356C>A, p.Asn452Lys (NM_001346897.2, NM_001346899.2); c.1491C>A, p.Asn497Lys (NM_001346898.2, NM_201282.2, NM_201284.2); c.1332C>A, p.Asn444Lys (NM_001346900.2); c.690C>A, p.Asn230Lys (NM_001346941.2); short protein forms N230K, N452K, N444K, N497K.
Identifiers: ClinVar variation 3701479 (VCV003701479.3).